The following is an entry in ClinVar:

ClinVar aggregate classification (germline): Pathogenic (1 of 4 stars; one submission).

Allele frequency attached by ClinVar (database versions not stated): gnomAD exomes below 0.00001 and 0.00001; ExAC 0.00001.

Submission:

GeneDx
Classification: Pathogenic. Last evaluated: 2018-02-27. Review status: criteria provided, single submitter. Criteria: GeneDx Variant Classification (06012015). Collection method: clinical testing. Allele origin: germline. Affected: yes.
Comment: The c.660delA variant in the FLG gene has not been reported previously as a pathogenic variant nor as a benign variant, to our knowledge. The c.660delA variant causes a frameshift starting with codon Glycine 221, changes this amino acid to a Glutamic Acid residue, and creates a premature Stop codon at position 3 of the new reading frame, denoted p.Gly221GlufsX3. This variant is predicted to cause loss of normal protein function through protein truncation. The c.660delA variant is observed in 3/17240 (0.017%) alleles from individuals of East Asian background in large population cohorts (Lek et al., 2016). We interpret c.660delA as a pathogenic variant.

NM_002016.2(FLG):c.660del (p.Gly221fs)

Genes: CCDST (cervical cancer associated DHX9 suppressive transcript; plus strand), FLG (filaggrin; minus strand). Cytogenetic location: 1q21.3.
Variant type: Deletion.
Coding change: c.660del on transcript NM_002016.2 (MANE Select); coding-DNA position 660, one base deleted (A; older notation c.660delA).
Protein change: p.Gly221fs; shifts the reading frame from glycine 221.
Molecular consequence: frameshift variant.
Genome position (GRCh38, 1-based): chr1:152,314,226, T deleted on the plus strand (A on the coding strand, the reverse complement: FLG is on the minus strand). VCF-style (leftmost placement, unchanged base first): chr1-152314225-CT-C. GRCh37 (hg19) VCF-style: chr1-152286701-CT-C.
Other names: c.660delA (NM_002016.1); short protein forms G221fs.
Identifiers: ClinVar variation 504368 (VCV000504368.2), dbSNP rs756626190, ClinGen allele CA1107946.
Genomic context (GRCh38, chr1:152,314,225, plus strand): 5'-CCTGGATTGTGTAATATGTGGCAATATGGCCTGATTGTATCCATTTTTGAGTCATTCTTC[CT>C]GTATTTTCATAATCATATACTCCTTCTTCATTGTCTTCTTTCTCTTCAAGTCTTTCACTT-3'